The following is an entry in ClinVar:

NM_018006.5(TRMU):c.1019-2_1023del

Gene: TRMU (tRNA mitochondrial 2-thiouridylase; plus strand). Cytogenetic location: 22q13.31.
Variant type: Deletion.
Coding change: c.1019-2_1023del on transcript NM_018006.5 (MANE Select); the canonical splice acceptor site of the intron before coding-DNA position 1019 through coding-DNA position 1023, 7 bases deleted (AGTGCCC; older notation c.1019-2_1023delAGTGCCC).
Molecular consequence: splice acceptor variant. On other transcripts: intron variant (2).
Genome position (GRCh38, 1-based): chr22:46,355,988-46,355,994, AGTGCCC deleted; deleting any 7 consecutive bases within chr22:46,355,985-46,355,994 gives the same sequence; the c. name uses the placement nearest the transcript's 3' end. VCF-style (leftmost placement, unchanged base first): chr22-46355984-ACCCAGTG-A. GRCh37 (hg19) VCF-style: chr22-46751881-ACCCAGTG-A.
Other names: c.1019-2_1023del (NM_018006.4); c.1018+400_1018+406del (NM_001282785.2); c.677-2_681del (NM_001282782.2); c.599-2_603del (NM_001282783.2); c.598+400_598+406del (NM_001282784.2).
Identifiers: ClinVar variation 2679276 (VCV002679276.3), dbSNP rs2518215957, ClinGen allele CA2657382264.

ClinVar aggregate classification (germline): Likely pathogenic. Review status: criteria provided, multiple submitters, no conflicts (2 of 4 stars). 2 submissions from 2 submitters: Likely pathogenic (2). Last evaluated 2025-01-21.

Conditions:
Acute infantile liver failure due to synthesis defect of mtDNA-encoded proteins. Also called: LIVER FAILURE, INFANTILE, TRANSIENT; TRMU Deficiency; Liver failure acute infantile. Identifiers: Orphanet 217371, MedGen C3278664, MONDO:0013111, OMIM 613070.
Aminoglycoside-induced deafness. Also called: STREPTOMYCIN OTOTOXICITY; MT-RNR1-Related Hearing Loss and Deafness; DEAFNESS, STREPTOMYCIN-INDUCED. Identifiers: Orphanet 168609, MedGen C1838854, MONDO:0010799, OMIM 580000.

Submissions (2):

Natera, Inc.
Classification: Likely pathogenic for Acute infantile liver failure due to synthesis defect of mtDNA-encoded proteins. Last evaluated: 2025-01-21. Review status: criteria provided, single submitter. Criteria: Natera Variant Classification Schema (03/2026). Collection method: clinical testing. Allele origin: germline.
Comment: The c.1019-2_1023del variant in TRMU is a canonical splice acceptor site variant predicted to affect pre-mRNA splicing, which may result in an abnormal transcript and altered protein product. This variant is expected to result in nonsense mediated decay, truncation, or a dysfunctional protein product. This variant is rare in the general population with a frequency below the threshold expected for the associated phenotype(s). Given the available evidence, this variant is classified as Likely Pathogenic.

Baylor Genetics
Classification: Likely pathogenic for Aminoglycoside-induced deafness. Last evaluated: 2023-08-21. Review status: criteria provided, single submitter. Criteria: ACMG Guidelines, 2015. Collection method: clinical testing. Allele origin: unknown.